The following is an entry in ClinVar:

ClinVar aggregate classification (germline): Uncertain significance (1 of 4 stars; one submission).

Conditions:
AGXT-related disorder. Also called: AGXT-related condition.

Submission:

PreventionGenetics, part of Exact Sciences
Classification: Uncertain significance for AGXT-related condition. Last evaluated: 2025-05-06. Review status: criteria provided, single submitter. Criteria: ACMG Guidelines, 2015. Collection method: clinical testing. Allele origin: germline.
Comment: The AGXT c.114G>C variant is predicted to result in the amino acid substitution p.Met38Ile. To our knowledge, this variant has not been reported in the literature. This variant is reported in 0.0033% of alleles in individuals of South Asian descent in gnomAD. At this time, the clinical significance of this variant is uncertain due to the absence of conclusive functional and genetic evidence.

NM_000030.3(AGXT):c.114G>C (p.Met38Ile)

Gene: AGXT (alanine--glyoxylate aminotransferase; plus strand). Cytogenetic location: 2q37.3.
Variant type: single nucleotide variant.
Coding change: c.114G>C on transcript NM_000030.3 (MANE Select); coding-DNA position 114, G replaced by C.
Protein change: p.Met38Ile; replaces methionine 38 with isoleucine.
Molecular consequence: missense variant.
Genome position (GRCh38, 1-based): chr2:240,868,979, G>C. VCF-style: chr2-240868979-G-C. GRCh37 (hg19) VCF-style: chr2-241808396-G-C.
Other names: short protein forms M38I.
Identifiers: ClinVar variation 4982062 (VCV004982062.1).